The following is an entry in ClinVar:

ClinVar aggregate classification (germline): Uncertain significance (1 of 4 stars; one submission).

Conditions:
Hereditary spastic paraplegia 73. Also called: Spastic paraplegia 73, autosomal dominant. Identifiers: Orphanet 444099, MedGen C5568981, MONDO:0014568, OMIM 616282.

Allele frequency attached by ClinVar (database versions not stated): gnomAD exomes below 0.00001; TOPMed below 0.00001.
gnomAD v4.1: 3 of 1,611,706 alleles (0.00019%); highest among the groups gnomAD compares: Admixed American, 0.0017%; no homozygotes.

Submission:

Labcorp Genetics (formerly Invitae), Labcorp
Classification: Uncertain significance for Hereditary spastic paraplegia 73. Last evaluated: 2020-07-10. Review status: criteria provided, single submitter. Criteria: Invitae Variant Classification Sherloc (09022015). Collection method: clinical testing. Allele origin: germline.
Comment: In summary, the available evidence is currently insufficient to determine the role of this variant in disease. Therefore, it has been classified as a Variant of Uncertain Significance. Algorithms developed to predict the effect of sequence changes on RNA splicing suggest that this variant may create or strengthen a splice site, but this prediction has not been confirmed by published transcriptional studies. This sequence change replaces alanine with valine at codon 152 of the CPT1C protein (p.Ala152Val). The alanine residue is moderately conserved and there is a small physicochemical difference between alanine and valine. This variant is not present in population databases (ExAC no frequency). This variant has not been reported in the literature in individuals with CPT1C-related conditions. Algorithms developed to predict the effect of missense changes on protein structure and function are either unavailable or do not agree on the potential impact of this missense change (SIFT: "Tolerated"; PolyPhen-2: "Probably Damaging"; Align-GVGD: "Class C0").

NM_001199753.2(CPT1C):c.455C>T (p.Ala152Val)

Gene: CPT1C (carnitine palmitoyltransferase 1C; plus strand). Cytogenetic location: 19q13.33.
Variant type: single nucleotide variant.
Coding change: c.455C>T on transcript NM_001199753.2 (MANE Select); coding-DNA position 455, C replaced by T.
Protein change: p.Ala152Val; replaces alanine 152 with valine.
Molecular consequence: missense variant. On other transcripts: non-coding transcript variant (1).
Genome position (GRCh38, 1-based): chr19:49,701,318, C>T. VCF-style: chr19-49701318-C-T. GRCh37 (hg19) VCF-style: chr19-50204575-C-T.
Other names: c.455C>T, p.Ala152Val (NM_001136052.3, NM_001199752.3, NM_001378482.1 and 7 more transcripts); short protein forms A152V.
Identifiers: ClinVar variation 1061896 (VCV001061896.9), dbSNP rs2083037700, ClinGen allele CA406899858.